The following is an entry in ClinVar:

ClinVar aggregate classification (germline): Conflicting classifications of pathogenicity. Review status: criteria provided, conflicting classifications (1 of 4 stars). 3 submissions from 3 submitters: Uncertain significance (2); Benign (1). Last evaluated 2025-12-17.

Conditions:
Cardiovascular phenotype. Identifiers: MedGen CN230736.
Dilated cardiomyopathy 1DD (CMD1DD). Identifiers: Orphanet 154, MedGen C2750995, MONDO:0013168, OMIM 613172.

Allele frequency attached by ClinVar (database versions not stated): TOPMed 0.00003; gnomAD exomes 0.00008 and 0.00001; gnomAD 0.00002.

Submissions (3):

Ambry Genetics
Classification: Uncertain significance for Cardiovascular phenotype. Last evaluated: 2025-12-17. Review status: criteria provided, single submitter. Criteria: Ambry Variant Classification Scheme 2023. Collection method: clinical testing. Allele origin: germline.
Comment: The p.R163W variant (also known as c.487C>T), located in coding exon 2 of the RBM20 gene, results from a C to T substitution at nucleotide position 487. The arginine at codon 163 is replaced by tryptophan, an amino acid with dissimilar properties. This amino acid position is not well conserved in available vertebrate species. In addition, the in silico prediction for this alteration is inconclusive. Based on the available evidence, the clinical significance of this variant remains unclear.

Labcorp Genetics (formerly Invitae), Labcorp
Classification: Benign for Dilated cardiomyopathy 1DD. Last evaluated: 2025-01-02. Review status: criteria provided, single submitter. Criteria: Invitae Variant Classification Sherloc (09022015). Collection method: clinical testing. Allele origin: germline.

Fulgent Genetics
Classification: Uncertain significance for Dilated cardiomyopathy 1DD. Last evaluated: 2021-07-13. Review status: criteria provided, single submitter. Criteria: ACMG Guidelines, 2015. Collection method: clinical testing. Allele origin: unknown.

NM_001134363.3(RBM20):c.487C>T (p.Arg163Trp)

Gene: RBM20 (RNA binding motif protein 20; plus strand). Cytogenetic location: 10q25.2.
Variant type: single nucleotide variant.
Coding change: c.487C>T on transcript NM_001134363.3 (MANE Select); coding-DNA position 487, C replaced by T.
Protein change: p.Arg163Trp; replaces arginine 163 with tryptophan.
Molecular consequence: missense variant.
Genome position (GRCh38, 1-based): chr10:110,781,096, C>T. VCF-style: chr10-110781096-C-T. GRCh37 (hg19) VCF-style: chr10-112540854-C-T.
Other names: short protein forms R163W.
Identifiers: ClinVar variation 836203 (VCV000836203.11), dbSNP rs1458326422, ClinGen allele CA378380693.